The following is an entry in ClinVar:

NM_000057.4(BLM):c.3731T>C (p.Val1244Ala)

Gene: BLM (BLM RecQ like helicase; plus strand). Cytogenetic location: 15q26.1.
Variant type: single nucleotide variant.
Coding change: c.3731T>C on transcript NM_000057.4 (MANE Select); coding-DNA position 3731, T replaced by C.
Protein change: p.Val1244Ala; replaces valine 1244 with alanine.
Molecular consequence: missense variant. On other transcripts: intron variant (1).
Genome position (GRCh38, 1-based): chr15:90,804,339, T>C. VCF-style: chr15-90804339-T-C. GRCh37 (hg19) VCF-style: chr15-91347569-T-C.
Other names: c.3731T>C, p.Val1244Ala (NM_001287246.2); c.2606T>C, p.Val869Ala (NM_001287248.2); c.3359-4798T>C (NM_001287247.2); short protein forms V1244A, V869A.
Identifiers: ClinVar variation 1520199 (VCV001520199.8), dbSNP rs771117920, ClinGen allele CA393848272.

ClinVar aggregate classification (germline): Uncertain significance (1 of 4 stars; one submission).

Conditions:
Bloom syndrome (BLM). Also called: Bloom-Torre-Machacek syndrome. Identifiers: Orphanet 125, MedGen C0005859, MONDO:0008876, OMIM 210900.

Submission:

Labcorp Genetics (formerly Invitae), Labcorp
Classification: Uncertain significance for Bloom syndrome. Last evaluated: 2021-03-26. Review status: criteria provided, single submitter. Criteria: Invitae Variant Classification Sherloc (09022015). Collection method: clinical testing. Allele origin: germline.
Comment: This sequence change replaces valine with alanine at codon 1244 of the BLM protein (p.Val1244Ala). The valine residue is weakly conserved and there is a small physicochemical difference between valine and alanine. This variant is not present in population databases (ExAC no frequency). This variant has not been reported in the literature in individuals with BLM-related conditions. Experimental studies are conflicting or provide insufficient evidence to determine the effect of this variant on BLM protein function (PMID: 20639533). In summary, the available evidence is currently insufficient to determine the role of this variant in disease. Therefore, it has been classified as a Variant of Uncertain Significance.

Literature cited by the submitters: PubMed 20639533.